The following is an entry in ClinVar:

NM_000059.4(BRCA2):c.7136G>A (p.Gly2379Glu)

Gene: BRCA2 (BRCA2 DNA repair associated; plus strand). Cytogenetic location: 13q13.1.
Variant type: single nucleotide variant.
Coding change: c.7136G>A on transcript NM_000059.4 (MANE Select); coding-DNA position 7136, G replaced by A.
Protein change: p.Gly2379Glu; replaces glycine 2379 with glutamic acid.
Molecular consequence: missense variant.
Genome position (GRCh38, 1-based): chr13:32,354,989, G>A. VCF-style: chr13-32354989-G-A. GRCh37 (hg19) VCF-style: chr13-32929126-G-A.
Other names: short protein forms G2379E.
Identifiers: ClinVar variation 574767 (VCV000574767.9), dbSNP rs1555286016, ClinGen allele CA387738906.

ClinVar aggregate classification (germline): Uncertain significance. Review status: criteria provided, multiple submitters, no conflicts (2 of 4 stars). 2 submissions from 2 submitters: Uncertain significance (2). Last evaluated 2025-08-26.

Conditions:
Hereditary breast ovarian cancer syndrome. Also called: BRCA1- and BRCA2-Associated Hereditary Breast and Ovarian Cancer; Hereditary breast and ovarian cancer; Hereditary breast and/or ovarian cancer syndrome; Hereditary breast and ovarian cancer syndrome; Hereditary breast and ovarian cancer syndrome (HBOC); Breast and ovarian cancer. Identifiers: Orphanet 145, MedGen C0677776, MeSH D061325, MONDO:0003582. Disease mechanism: loss of function.
Hereditary cancer-predisposing syndrome. Also called: Neoplastic Syndromes, Hereditary; Hereditary Cancer Syndrome; Tumor predisposition; Hereditary neoplastic syndrome. Identifiers: Orphanet 140162, MedGen C0027672, MeSH D009386, MONDO:0015356.

Allele frequency attached by ClinVar (database versions not stated): gnomAD exomes below 0.00001.
gnomAD v4.1: 1 of 1,613,630 alleles (0.000062%); highest among the groups gnomAD compares: Non-Finnish European, 0.000085%; no homozygotes.

Submissions (2):

Color Diagnostics, LLC DBA Color Health
Classification: Uncertain significance for Hereditary cancer-predisposing syndrome. Last evaluated: 2025-08-26. Review status: criteria provided, single submitter. Criteria: ACMG Guidelines, 2015. Collection method: clinical testing. Allele origin: germline.
Comment: This missense variant replaces glycine with glutamic acid at codon 2379 of the BRCA2 protein. Computational prediction suggests that this variant may not impact protein structure and function. A functional study reported that this variant does not impact BRCA2 in the rescue of cell growth in Brca2-deficient cells and in sensitivity assays to cisplatin and PARP inihibtor (PMID: 37922907). To our knowledge, this variant has not been reported in individuals affected with BRCA2-related disorders in the literature. This variant has not been identified in the general population by the Genome Aggregation Database (gnomAD). The available evidence is insufficient to determine the role of this variant in disease conclusively. Therefore, this variant is classified as a Variant of Uncertain Significance.

Labcorp Genetics (formerly Invitae), Labcorp
Classification: Uncertain significance for Hereditary breast ovarian cancer syndrome. Last evaluated: 2018-06-06. Review status: criteria provided, single submitter. Criteria: Invitae Variant Classification Sherloc (09022015). Collection method: clinical testing. Allele origin: germline.
Comment: This variant is not present in population databases (ExAC no frequency). This variant has not been reported in the literature in individuals with BRCA2-related disease. Algorithms developed to predict the effect of missense changes on protein structure and function output the following: SIFT: "Tolerated"; PolyPhen-2: "Benign"; Align-GVGD: "Class C0". The glutamic acid amino acid residue is found in multiple mammalian species, suggesting that this missense change does not adversely affect protein function. These predictions have not been confirmed by published functional studies and their clinical significance is uncertain. In summary, the available evidence is currently insufficient to determine the role of this variant in disease. Therefore, it has been classified as a Variant of Uncertain Significance. This sequence change replaces glycine with glutamic acid at codon 2379 of the BRCA2 protein (p.Gly2379Glu). The glycine residue is weakly conserved and there is a moderate physicochemical difference between glycine and glutamic acid.

Literature cited by the submitters: PubMed 37922907 (cited by Color Diagnostics, LLC DBA Color Health).